The following is an entry in ClinVar:

ClinVar aggregate classification (germline): Uncertain significance (1 of 4 stars; one submission).

Conditions:
Centromeric instability of chromosomes 1,9 and 16 and immunodeficiency (ICF1). Also called: Immunodeficiency-centromeric instability-facial anomalies; IMMUNE DEFICIENCY, VARIABLE, WITH CENTROMERIC INSTABILITY OF CHROMOSOMES 1, 9, AND 16; IMMUNODEFICIENCY SYNDROME, VARIABLE; CENTROMERIC INSTABILITY, IMMUNODEFICIENCY SYNDROME. Identifiers: Orphanet 2268, MedGen C0398788, MONDO:0000133.

Allele frequency attached by ClinVar (database versions not stated): gnomAD exomes below 0.00001.
gnomAD v4.1: 2 of 1,614,234 alleles (0.00012%); highest among the groups gnomAD compares: South Asian, 0.0011%; no homozygotes.

Submission:

Labcorp Genetics (formerly Invitae), Labcorp
Classification: Uncertain significance for Centromeric instability of chromosomes 1,9 and 16 and immunodeficiency. Last evaluated: 2020-04-27. Review status: criteria provided, single submitter. Criteria: Invitae Variant Classification Sherloc (09022015). Collection method: clinical testing. Allele origin: germline.
Comment: In summary, the available evidence is currently insufficient to determine the role of this variant in disease. Therefore, it has been classified as a Variant of Uncertain Significance. Algorithms developed to predict the effect of missense changes on protein structure and function (SIFT, PolyPhen-2, Align-GVGD) all suggest that this variant is likely to be disruptive, but these predictions have not been confirmed by published functional studies and their clinical significance is uncertain. This variant has not been reported in the literature in individuals with DNMT3B-related conditions. This variant is not present in population databases (ExAC no frequency). This sequence change replaces arginine with histidine at codon 538 of the DNMT3B protein (p.Arg538His). The arginine residue is highly conserved and there is a small physicochemical difference between arginine and histidine.

NM_006892.4(DNMT3B):c.1613G>A (p.Arg538His)

Genes: DNMT3B (DNA methyltransferase 3 beta; plus strand), LOC126863014 (CDK7 strongly-dependent group 2 enhancer GRCh37_chr20:31385992-31387191; plus strand). Cytogenetic location: 20q11.21.
Variant type: single nucleotide variant.
Coding change: c.1613G>A on transcript NM_006892.4 (MANE Select); coding-DNA position 1613, G replaced by A.
Protein change: p.Arg538His; replaces arginine 538 with histidine.
Molecular consequence: missense variant.
Genome position (GRCh38, 1-based): chr20:32,798,582, G>A. VCF-style: chr20-32798582-G-A. GRCh37 (hg19) VCF-style: chr20-31386388-G-A.
Other names: c.1427G>A, p.Arg476His (NM_001207055.2); c.1325G>A, p.Arg442His (NM_001207056.2); c.1553G>A, p.Arg518His (NM_175848.2, NM_175849.2); c.1589G>A, p.Arg530His (NM_175850.3); short protein forms R442H, R476H, R518H, R530H, R538H.
Identifiers: ClinVar variation 1062160 (VCV001062160.9), dbSNP rs1980937463, ClinGen allele CA408587144.